The following is an entry in ClinVar:

NM_005529.7(HSPG2):c.6487G>A (p.Val2163Met)

Genes: HSPG2 (heparan sulfate proteoglycan 2; minus strand), LOC126805655 (CDK7 strongly-dependent group 2 enhancer GRCh37_chr1:22178409-22179608; plus strand). Cytogenetic location: 1p36.12.
Variant type: single nucleotide variant.
Coding change: c.6487G>A on transcript NM_005529.7 (MANE Select); coding-DNA position 6487, G replaced by A.
Protein change: p.Val2163Met; replaces valine 2163 with methionine.
Molecular consequence: missense variant.
Genome position (GRCh38, 1-based): chr1:21,853,023, C>T on the plus strand (G>A on the coding strand, the complement: HSPG2 is on the minus strand). VCF-style: chr1-21853023-C-T. GRCh37 (hg19) VCF-style: chr1-22179516-C-T.
Other names: c.6490G>A, p.Val2164Met (NM_001291860.2); c.6487G>A (NM_005529.5); short protein forms V2163M, V2164M.
Identifiers: ClinVar variation 2184863 (VCV002184863.7), dbSNP rs777503522, ClinGen allele CA671526.

ClinVar aggregate classification (germline): Uncertain significance. Review status: criteria provided, multiple submitters, no conflicts (2 of 4 stars). 3 submissions from 3 submitters: Uncertain significance (3). Last evaluated 2025-11-08.

Conditions:
Inborn genetic diseases. Identifiers: MedGen C0950123, MeSH D030342.

Allele frequency attached by ClinVar (database versions not stated): ExAC 0.00002; gnomAD 0.00003; TOPMed 0.00012.
gnomAD v4.1: 25 of 1,613,776 alleles (0.0015%); highest among the groups gnomAD compares: Admixed American, 0.0083%; no homozygotes.

Submissions (3):

Ambry Genetics
Classification: Uncertain significance for Inborn genetic diseases. Last evaluated: 2025-11-08. Review status: criteria provided, single submitter. Criteria: Ambry Variant Classification Scheme 2023. Collection method: clinical testing. Allele origin: germline.

Labcorp Genetics (formerly Invitae), Labcorp
Classification: Uncertain significance. Last evaluated: 2022-10-17. Review status: criteria provided, single submitter. Criteria: Invitae Variant Classification Sherloc (09022015). Collection method: clinical testing. Allele origin: germline.
Comment: This sequence change replaces valine, which is neutral and non-polar, with methionine, which is neutral and non-polar, at codon 2163 of the HSPG2 protein (p.Val2163Met). This variant is present in population databases (rs777503522, gnomAD 0.004%). This variant has not been reported in the literature in individuals affected with HSPG2-related conditions. Algorithms developed to predict the effect of missense changes on protein structure and function are either unavailable or do not agree on the potential impact of this missense change (SIFT: "Deleterious"; PolyPhen-2: "Possibly Damaging"; Align-GVGD: "Class C0"). In summary, the available evidence is currently insufficient to determine the role of this variant in disease. Therefore, it has been classified as a Variant of Uncertain Significance.

Revvity Omics, Revvity
Classification: Uncertain significance. Last evaluated: 2019-12-02. Review status: criteria provided, single submitter. Criteria: ACMG Guidelines, 2015. Collection method: clinical testing. Allele origin: germline.